The following is an entry in ClinVar:

ClinVar aggregate classification (germline): Conflicting classifications of pathogenicity. Review status: criteria provided, conflicting classifications (1 of 4 stars). 2 submissions from 2 submitters: Uncertain significance (1); Likely benign (1). Last evaluated 2023-03-23.

Conditions:
Hereditary cancer-predisposing syndrome. Also called: Hereditary Cancer Syndrome; Hereditary neoplastic syndrome; Tumor predisposition; Neoplastic Syndromes, Hereditary. Identifiers: Orphanet 140162, MedGen C0027672, MeSH D009386, MONDO:0015356.
Hereditary breast ovarian cancer syndrome. Also called: Hereditary breast and ovarian cancer syndrome (HBOC); BRCA1- and BRCA2-Associated Hereditary Breast and Ovarian Cancer; Hereditary breast and/or ovarian cancer syndrome; Hereditary breast and ovarian cancer; Breast and ovarian cancer; Hereditary breast and ovarian cancer syndrome. Identifiers: Orphanet 145, MedGen C0677776, MeSH D061325, MONDO:0003582. Disease mechanism: loss of function.

Submissions (2):

University of Washington Department of Laboratory Medicine, University of Washington
Classification: Likely benign for Hereditary cancer-predisposing syndrome. Last evaluated: 2023-03-23. Review status: criteria provided, single submitter. Criteria: Dines et al. (Genet Med. 2020). Collection method: curation. Allele origin: germline.
Comment: Missense variant in a coldspot region where missense variants are very unlikely to be pathogenic (PMID:31911673).

BRCA1 coldspot (exon 11 using historical exon numbering). Reclassification based on statistical prior probability

Labcorp Genetics (formerly Invitae), Labcorp
Classification: Uncertain significance for Hereditary breast ovarian cancer syndrome. Last evaluated: 2022-08-07. Review status: criteria provided, single submitter. Criteria: Invitae Variant Classification Sherloc (09022015). Collection method: clinical testing. Allele origin: germline.
Comment: In summary, the available evidence is currently insufficient to determine the role of this variant in disease. Therefore, it has been classified as a Variant of Uncertain Significance. Advanced modeling of protein sequence and biophysical properties (such as structural, functional, and spatial information, amino acid conservation, physicochemical variation, residue mobility, and thermodynamic stability) performed at Invitae indicates that this missense variant is not expected to disrupt BRCA1 protein function. This variant has not been reported in the literature in individuals affected with BRCA1-related conditions. This variant is not present in population databases (gnomAD no frequency). This sequence change replaces glycine, which is neutral and non-polar, with serine, which is neutral and polar, at codon 671 of the BRCA1 protein (p.Gly671Ser).

NM_007294.4(BRCA1):c.2011G>A (p.Gly671Ser)

Gene: BRCA1 (BRCA1 DNA repair associated; minus strand). Cytogenetic location: 17q21.31.
Variant type: single nucleotide variant.
Coding change: c.2011G>A on transcript NM_007294.4 (MANE Select); coding-DNA position 2011, G replaced by A.
Protein change: p.Gly671Ser; replaces glycine 671 with serine.
Molecular consequence: missense variant. On other transcripts: intron variant (137).
Genome position (GRCh38, 1-based): chr17:43,093,520, C>T on the plus strand (G>A on the coding strand, the complement: BRCA1 is on the minus strand). VCF-style: chr17-43093520-C-T. GRCh37 (hg19) VCF-style: chr17-41245537-C-T.
Other names: c.2008G>A, p.Gly670Ser (NM_001407614.1, NM_001407615.1, NM_001407627.1 and 22 more transcripts); c.2011G>A, p.Gly671Ser (NM_001407616.1, NM_001407617.1, NM_001407618.1 and 30 more transcripts); c.1933G>A, p.Gly645Ser (NM_001407653.1, NM_001407654.1, NM_001407655.1 and 4 more transcripts); c.2002G>A, p.Gly668Ser (NM_001407646.1, NM_001407647.1); c.1888G>A, p.Gly630Ser (NM_001407648.1, NM_001407664.1, NM_001407665.1 and 19 more transcripts); c.1885G>A, p.Gly629Ser (NM_001407649.1, NM_001407670.1, NM_001407671.1 and 11 more transcripts); c.1798G>A, p.Gly600Ser (NM_001407571.1, NM_001407853.1, NM_001407894.1 and 9 more transcripts); c.1930G>A, p.Gly644Ser (NM_001407659.1, NM_001407660.1, NM_001407661.1 and 1 more transcripts); and 40 more; short protein forms G375S, G644S, G543S, G544S, G559S, G583S, G603S, G630S.
Identifiers: ClinVar variation 1961006 (VCV001961006.7), dbSNP rs1567797285, ClinGen allele CA10597989.